The following is an entry in ClinVar:

NM_001164665.2(KIAA1549):c.5450C>T (p.Thr1817Ile)

Gene: KIAA1549 (KIAA1549; minus strand). Cytogenetic location: 7q34.
Variant type: single nucleotide variant.
Coding change: c.5450C>T on transcript NM_001164665.2 (MANE Select); coding-DNA position 5450, C replaced by T.
Protein change: p.Thr1817Ile; replaces threonine 1817 with isoleucine.
Molecular consequence: missense variant.
Genome position (GRCh38, 1-based): chr7:138,844,319, G>A on the plus strand (C>T on the coding strand, the complement: KIAA1549 is on the minus strand). VCF-style: chr7-138844319-G-A. GRCh37 (hg19) VCF-style: chr7-138529064-G-A.
Other names: c.5450C>T, p.Thr1817Ile (NM_020910.3); short protein forms T1817I.
Identifiers: ClinVar variation 2185260 (VCV002185260.2), dbSNP rs1323239340, ClinGen allele CA369388394.

ClinVar aggregate classification (germline): Uncertain significance. Review status: criteria provided, multiple submitters, no conflicts (2 of 4 stars). 2 submissions from 2 submitters: Uncertain significance (2). Last evaluated 2022-04-06.

Allele frequency attached by ClinVar (database versions not stated): gnomAD exomes below 0.00001; gnomAD 0.00001; TOPMed 0.00001.
gnomAD v4.1: 5 of 1,613,816 alleles (0.00031%); highest among the groups gnomAD compares: Non-Finnish European, 0.00034%; no homozygotes.

Submissions (2):

Labcorp Genetics (formerly Invitae), Labcorp
Classification: Uncertain significance. Last evaluated: 2022-04-06. Review status: criteria provided, single submitter. Criteria: Invitae Variant Classification Sherloc (09022015). Collection method: clinical testing. Allele origin: germline.
Comment: This sequence change replaces threonine, which is neutral and polar, with isoleucine, which is neutral and non-polar, at codon 1817 of the KIAA1549 protein (p.Thr1817Ile). This variant is present in population databases (no rsID available, gnomAD 0.0009%). This variant has not been reported in the literature in individuals affected with KIAA1549-related conditions. Algorithms developed to predict the effect of missense changes on protein structure and function are either unavailable or do not agree on the potential impact of this missense change (SIFT: "Deleterious"; PolyPhen-2: "Possibly Damaging"; Align-GVGD: "Class C15"). Algorithms developed to predict the effect of sequence changes on RNA splicing suggest that this variant may disrupt the consensus splice site. In summary, the available evidence is currently insufficient to determine the role of this variant in disease. Therefore, it has been classified as a Variant of Uncertain Significance.

Blueprint Genetics
Classification: Uncertain significance. Last evaluated: 2021-12-09. Review status: criteria provided, single submitter. Criteria: ACMG Guidelines, 2015. Collection method: clinical testing. Allele origin: germline.